The following is an entry in ClinVar:

ClinVar aggregate classification (germline): Uncertain significance (1 of 4 stars; one submission).

gnomAD v4.1: 1 of 1,609,066 alleles (0.000062%); highest among the groups gnomAD compares: Non-Finnish European, 0.000085%; no homozygotes.

Submission:

Labcorp Genetics (formerly Invitae), Labcorp
Classification: Uncertain significance. Last evaluated: 2022-02-20. Review status: criteria provided, single submitter. Criteria: Invitae Variant Classification Sherloc (09022015). Collection method: clinical testing. Allele origin: germline.
Comment: In summary, the available evidence is currently insufficient to determine the role of this variant in disease. Therefore, it has been classified as a Variant of Uncertain Significance. Algorithms developed to predict the effect of missense changes on protein structure and function (SIFT, PolyPhen-2, Align-GVGD) all suggest that this variant is likely to be tolerated. This variant has not been reported in the literature in individuals affected with EXOSC2-related conditions. This variant is present in population databases (no rsID available, gnomAD 0.007%). This sequence change replaces proline, which is neutral and non-polar, with serine, which is neutral and polar, at codon 8 of the EXOSC2 protein (p.Pro8Ser).

NM_014285.7(EXOSC2):c.22C>T (p.Pro8Ser)

Gene: EXOSC2 (exosome component 2; plus strand). Cytogenetic location: 9q34.12.
Variant type: single nucleotide variant.
Coding change: c.22C>T on transcript NM_014285.7 (MANE Select); coding-DNA position 22, C replaced by T.
Protein change: p.Pro8Ser; replaces proline 8 with serine.
Molecular consequence: missense variant. On other transcripts: non-coding transcript variant (1).
Genome position (GRCh38, 1-based): chr9:130,693,813, C>T. VCF-style: chr9-130693813-C-T. GRCh37 (hg19) VCF-style: chr9-133569200-C-T.
Other names: c.22C>T, p.Pro8Ser (NM_001282708.1, NM_001282709.1); short protein forms P8S.
Identifiers: ClinVar variation 2100433 (VCV002100433.4), dbSNP rs148203698, ClinGen allele CA375245899.